The following is an entry in ClinVar:

NM_013450.4(BAZ2B):c.4213+4A>G

Gene: BAZ2B (bromodomain adjacent to zinc finger domain 2B; minus strand). Cytogenetic location: 2q24.2.
Variant type: single nucleotide variant.
Coding change: c.4213+4A>G on transcript NM_013450.4 (MANE Select); 4 bases into the intron after coding-DNA position 4213, A replaced by G.
Molecular consequence: intron variant.
Genome position (GRCh38, 1-based): chr2:159,373,041, T>C on the plus strand (A>G on the coding strand, the complement: BAZ2B is on the minus strand). VCF-style: chr2-159373041-T-C. GRCh37 (hg19) VCF-style: chr2-160229552-T-C.
Other names: c.4105+4A>G (NM_001289975.1); c.4051+4A>G (NM_001329857.2); c.4138+4A>G (NM_001329858.2).
Identifiers: ClinVar variation 5009287 (VCV005009287.1).

ClinVar aggregate classification (germline): Uncertain significance (1 of 4 stars; one submission).

Submission:

GeneDx
Classification: Uncertain significance. Last evaluated: 2026-03-16. Review status: criteria provided, single submitter. Criteria: GeneDx Variant Classification Process June 2021. Collection method: clinical testing. Allele origin: germline.
Comment: Not observed at significant frequency in large population cohorts (gnomAD); Has not been previously published as pathogenic or benign to our knowledge; In silico analysis is inconclusive as to whether the variant alters gene splicing. In the absence of RNA/functional studies, the actual effect of this sequence change is unknown.